The following is an entry in ClinVar:

ClinVar aggregate classification (germline): Likely benign (1 of 4 stars; one submission).

Conditions:
SEMA3B-related disorder. Also called: SEMA3B-related condition.

gnomAD v4.1: 2 of 1,611,270 alleles (0.00012%); highest among the groups gnomAD compares: Non-Finnish European, 0.00017%; no homozygotes.

Submission:

PreventionGenetics, part of Exact Sciences
Classification: Likely benign for SEMA3B-related condition. Last evaluated: 2026-05-04. Review status: criteria provided, single submitter. Criteria: ACMG Guidelines, 2015. Collection method: clinical testing. Allele origin: germline.
Comment: This variant is classified as likely benign based on ACMG/AMP sequence variant interpretation guidelines (Richards et al. 2015 PMID: 25741868, with internal and published modifications).

NM_001290060.2(SEMA3B):c.1398C>T (p.Gly466=)

Gene: SEMA3B (semaphorin 3B; plus strand). Cytogenetic location: 3p21.31.
Variant type: single nucleotide variant.
Coding change: c.1398C>T on transcript NM_001290060.2 (MANE Select); coding-DNA position 1398, C replaced by T.
Protein change: p.Gly466=; no amino-acid change (glycine 466 retained).
Molecular consequence: synonymous variant. On other transcripts: non-coding transcript variant (1).
Genome position (GRCh38, 1-based): chr3:50,274,883, C>T. VCF-style: chr3-50274883-C-T. GRCh37 (hg19) VCF-style: chr3-50312314-C-T.
Other names: c.1395C>T, p.Gly465= (NM_001005914.3, NM_001435957.1, NM_001435958.1); c.1413C>T, p.Gly471= (NM_001290061.1); c.369C>T, p.Gly123= (NM_001290062.2, NM_001290063.2); c.1398C>T, p.Gly466= (NM_001435956.1, NM_004636.4).
Identifiers: ClinVar variation 4987007 (VCV004987007.1).